The following is an entry in ClinVar:

ClinVar aggregate classification (germline): Uncertain significance (1 of 4 stars; one submission).

Conditions:
Hereditary cancer-predisposing syndrome. Also called: Neoplastic Syndromes, Hereditary; Tumor predisposition; Hereditary neoplastic syndrome; Hereditary Cancer Syndrome. Identifiers: Orphanet 140162, MedGen C0027672, MeSH D009386, MONDO:0015356.

Allele frequency attached by ClinVar (database versions not stated): gnomAD exomes below 0.00001.
gnomAD v4.1: 1 of 1,614,204 alleles (0.000062%); highest among the groups gnomAD compares: Non-Finnish European, 0.000085%; no homozygotes.

Submission:

Ambry Genetics
Classification: Uncertain significance for Hereditary cancer-predisposing syndrome. Last evaluated: 2024-02-24. Review status: criteria provided, single submitter. Criteria: Ambry Variant Classification Scheme 2023. Collection method: clinical testing. Allele origin: germline.
Comment: The p.L1588Q variant (also known as c.4763T>A), located in coding exon 22 of the DICER1 gene, results from a T to A substitution at nucleotide position 4763. The leucine at codon 1588 is replaced by glutamine, an amino acid with dissimilar properties. This amino acid position is conserved. In addition, this alteration is predicted to be deleterious by in silico analysis. Based on the available evidence, the clinical significance of this alteration remains unclear.

NM_177438.3(DICER1):c.4763T>A (p.Leu1588Gln)

Gene: DICER1 (dicer 1, ribonuclease III; minus strand). Cytogenetic location: 14q32.13.
Variant type: single nucleotide variant.
Coding change: c.4763T>A on transcript NM_177438.3 (MANE Select); coding-DNA position 4763, T replaced by A.
Protein change: p.Leu1588Gln; replaces leucine 1588 with glutamine.
Molecular consequence: missense variant. On other transcripts: non-coding transcript variant (6).
Genome position (GRCh38, 1-based): chr14:95,096,157, A>T on the plus strand (T>A on the coding strand, the complement: DICER1 is on the minus strand). VCF-style: chr14-95096157-A-T. GRCh37 (hg19) VCF-style: chr14-95562494-A-T.
Other names: c.4763T>A, p.Leu1588Gln (NM_001195573.1, NM_001271282.3, NM_001291628.2 and 13 more transcripts); c.4481T>A, p.Leu1494Gln (NM_001395686.1); c.4358T>A, p.Leu1453Gln (NM_001395687.1, NM_001395688.1, NM_001395689.1 and 2 more transcripts); c.4196T>A, p.Leu1399Gln (NM_001395691.1); c.3080T>A, p.Leu1027Gln (NM_001395697.1); short protein forms L1027Q, L1399Q, L1453Q, L1494Q, L1588Q.
Identifiers: ClinVar variation 3229417 (VCV003229417.1), dbSNP rs2542486916, ClinGen allele CA390867265.